The following is an entry in ClinVar:

NM_015557.3(CHD5):c.55A>G (p.Met19Val)

Gene: CHD5 (chromodomain helicase DNA binding protein 5; minus strand). Cytogenetic location: 1p36.31.
Variant type: single nucleotide variant.
Coding change: c.55A>G on transcript NM_015557.3 (MANE Select); coding-DNA position 55, A replaced by G.
Protein change: p.Met19Val; replaces methionine 19 with valine.
Molecular consequence: missense variant.
Genome position (GRCh38, 1-based): chr1:6,179,969, T>C on the plus strand (A>G on the coding strand, the complement: CHD5 is on the minus strand). VCF-style: chr1-6179969-T-C. GRCh37 (hg19) VCF-style: chr1-6240029-T-C.
Other names: p.Met19Va; short protein forms M19V.
Identifiers: ClinVar variation 3242268 (VCV003242268.2), dbSNP rs2525500217.
Genomic context (GRCh38, chr1:6,179,969, plus strand): 5'-CCGCTCTGGCCCCAGGCGCACCCGCGCCCCGCTCACCTGACATCTCGTCCTCATTCTCCA[T>C]CTCCTCGGCGAACAGCCGCGGCAGCTCCTCCTCGGTGCCCACTGGGCCCCGCATGCCCGG-3'
Protein context (NP_056372.1, residues 9-29): EELPRLFAEE[Met19Val]ENEDEMSEEE

ClinVar aggregate classification (germline): Uncertain significance (1 of 4 stars; one submission).

Conditions:
Parenti-mignot neurodevelopmental syndrome. Identifiers: MedGen C5676984, MONDO:0859249, OMIM 619873.

Submission:

Foundation for Research in Genetics and Endocrinology, FRIGE's Institute of Human Genetics
Classification: Uncertain significance for Parenti-mignot neurodevelopmental syndrome. Last evaluated: 2024-06-10. Review status: criteria provided, single submitter. Criteria: ACMG Guidelines, 2015. Collection method: clinical testing. Allele origin: germline. Inheritance: Autosomal dominant inheritance. Affected: yes. Observed: 1 heterozygote.
Comment: A heterozygous missense variant in exon 1 of the CHD5 gene that results in the amino acid substitution of Valine for Methionine at codon 19 was detected. The observed variant c.55A>G (p.Met19Val) has not been reported in the 1000 genomes and gnomAD databases. The reference codon is conserved across species. In summary, the variant meets our criteria to be classified as a variant of uncertain significance.